The following is an entry in ClinVar:

NM_004408.4(DNM1):c.578T>C (p.Val193Ala)

Genes: DNM1 (dynamin 1; plus strand), LOC113839516 (Sharpr-MPRA regulatory region 8497; plus strand). Cytogenetic location: 9q34.11.
Variant type: single nucleotide variant.
Coding change: c.578T>C on transcript NM_004408.4 (MANE Select); coding-DNA position 578, T replaced by C.
Protein change: p.Val193Ala; replaces valine 193 with alanine.
Molecular consequence: missense variant.
Genome position (GRCh38, 1-based): chr9:128,219,241, T>C. VCF-style: chr9-128219241-T-C. GRCh37 (hg19) VCF-style: chr9-130981520-T-C.
Other names: c.578T>C (NM_004408.3); c.578T>C, p.Val193Ala (NM_001005336.3, NM_001288737.2, NM_001288738.2 and 2 more transcripts); short protein forms V193A.
Identifiers: ClinVar variation 2173099 (VCV002173099.3), dbSNP rs1248836899, ClinGen allele CA375011709.

ClinVar aggregate classification (germline): Uncertain significance. Review status: criteria provided, multiple submitters, no conflicts (2 of 4 stars). 2 submissions from 2 submitters: Uncertain significance (2). Last evaluated 2025-01-24.

Conditions:
Developmental and epileptic encephalopathy, 31A. Also called: Epileptic encephalopathy, early infantile, 31; Developmental and epileptic encephalopathy, 31. Identifiers: Orphanet 2382, MedGen C4225357, MONDO:0014598, OMIM 616346.

Allele frequency attached by ClinVar (database versions not stated): gnomAD exomes below 0.00001; gnomAD 0.00001.
gnomAD v4.1: 7 of 1,613,916 alleles (0.00043%); highest among the groups gnomAD compares: Admixed American, 0.0067%; no homozygotes.

Submissions (2):

GeneDx
Classification: Uncertain significance. Last evaluated: 2025-01-24. Review status: criteria provided, single submitter. Criteria: GeneDx Variant Classification Process June 2021. Collection method: clinical testing. Allele origin: germline. Affected: yes.
Comment: In silico analysis supports that this missense variant has a deleterious effect on protein structure/function; Has not been previously published as pathogenic or benign to our knowledge

Labcorp Genetics (formerly Invitae), Labcorp
Classification: Uncertain significance for Developmental and epileptic encephalopathy, 31A. Last evaluated: 2023-10-03. Review status: criteria provided, single submitter. Criteria: Invitae Variant Classification Sherloc (09022015). Collection method: clinical testing. Allele origin: germline.
Comment: This sequence change replaces valine, which is neutral and non-polar, with alanine, which is neutral and non-polar, at codon 193 of the DNM1 protein (p.Val193Ala). This variant is present in population databases (no rsID available, gnomAD 0.009%). This variant has not been reported in the literature in individuals affected with DNM1-related conditions. ClinVar contains an entry for this variant (Variation ID: 2173099). Advanced modeling of protein sequence and biophysical properties (such as structural, functional, and spatial information, amino acid conservation, physicochemical variation, residue mobility, and thermodynamic stability) performed at Invitae indicates that this missense variant is not expected to disrupt DNM1 protein function. In summary, the available evidence is currently insufficient to determine the role of this variant in disease. Therefore, it has been classified as a Variant of Uncertain Significance.